The following is an entry in ClinVar:

NM_030662.4(MAP2K2):c.-27CCG[6]

Genes: MAP2K2 (mitogen-activated protein kinase kinase 2; minus strand), LOC130063193 (ATAC-STARR-seq lymphoblastoid silent region 9881; plus strand). Cytogenetic location: 19p13.3.
Variant type: Microsatellite.
Coding change: c.-27CCG[6] on transcript NM_030662.4 (MANE Select); six copies in a row of the 3-base unit CCG starting at c.-27; the reference has four copies in a row; two copies, 6 bases duplicated.
Molecular consequence: 5 prime UTR variant.
Genome position (GRCh38, 1-based): chr19:4,123,891-4,123,896, CGGCGG duplicated on the plus strand (CCGCCG on the coding strand, the reverse complement: MAP2K2 is on the minus strand); duplicating any 6 consecutive bases within chr19:4,123,891-4,123,904 gives the same sequence; the position shown is the placement nearest the transcript's 3' end. VCF-style (leftmost placement, unchanged base first): chr19-4123890-C-CCGGCGG. GRCh37 (hg19) VCF-style: chr19-4123887-C-CCGGCGG.
Other names: c.-21_-16dupCCGCCG (NM_030662.3, NM_030662.4).
Identifiers: ClinVar variation 46225 (VCV000046225.7), dbSNP rs397517411, ClinGen allele CA137905.

ClinVar aggregate classification (germline): Conflicting classifications of pathogenicity. Review status: criteria provided, conflicting classifications (1 of 4 stars). 2 submissions from 2 submitters: Uncertain significance (1); Likely benign (1). Last evaluated 2024-02-19.

Submissions (2):

Women's Health and Genetics/Laboratory Corporation of America, LabCorp
Classification: Uncertain significance. Last evaluated: 2024-02-19. Review status: criteria provided, single submitter. Criteria: LabCorp Variant Classification Summary - May 2015. Collection method: clinical testing. Allele origin: germline.

Laboratory for Molecular Medicine, Mass General Brigham Personalized Medicine
Classification: Likely benign. Last evaluated: 2012-11-06. Review status: criteria provided, single submitter. Criteria: LMM Criteria. Collection method: clinical testing. Allele origin: germline. Observed: 2 variant alleles.
Comment: -21_-16dupCCGCCG in the 5' UTR of MAP2K2: This variant has not been previously r eported in the literature or been identified in our laboratory. The 5' UTR plays a role in the regulation of gene expression and variants in this region have be en shown to alter protein translation (Mendell 2001, Scheper 2007). This type of variant has not been previously reported in individuals with Noonan spectrum di sorder.

Literature cited by the submitters: PubMed 11719181 (cited by Laboratory for Molecular Medicine, Mass General Brigham Personalized Medicine); PubMed 17680008 (cited by Laboratory for Molecular Medicine, Mass General Brigham Personalized Medicine).